The following is an entry in ClinVar:

NM_000166.6(GJB1):c.339C>A (p.Asp113Glu)

Gene: GJB1 (gap junction protein beta 1; plus strand). Cytogenetic location: Xq13.1.
Variant type: single nucleotide variant.
Coding change: c.339C>A on transcript NM_000166.6 (MANE Select); coding-DNA position 339, C replaced by A.
Protein change: p.Asp113Glu; replaces aspartic acid 113 with glutamic acid.
Molecular consequence: missense variant.
Genome position (GRCh38, 1-based): chrX:71,224,046, C>A. VCF-style: chrX-71224046-C-A. GRCh37 (hg19) VCF-style: chrX-70443896-C-A.
Other names: c.339C>A, p.Asp113Glu (NM_001097642.3); short protein forms D113E.
Identifiers: ClinVar variation 3766574 (VCV003766574.1).

ClinVar aggregate classification (germline): Uncertain significance (1 of 4 stars; one submission).

Conditions:
Charcot-Marie-Tooth disease X-linked dominant 1. Also called: X-linked Charcot-Marie-Tooth disease type 1; GJB1 Disorders: Charcot-Marie-Tooth Neuropathy (CMT1X) and Central Nervous System Phenotypes; CHARCOT-MARIE-TOOTH NEUROPATHY, X-LINKED, 1; CHARCOT-MARIE-TOOTH PERONEAL MUSCULAR ATROPHY, X-LINKED; Charcot-Marie-Tooth Neuropathy X Type 1; HEREDITARY MOTOR AND SENSORY NEUROPATHY, X-LINKED. Identifiers: Orphanet 101075, MedGen C0393808, MONDO:0010549, OMIM 302800.

Submission:

ARUP Laboratories, Molecular Genetics and Genomics, ARUP Laboratories
Classification: Uncertain significance for Charcot-Marie-Tooth disease X-linked dominant 1. Last evaluated: 2024-04-19. Review status: criteria provided, single submitter. Criteria: ARUP Molecular Germline Variant Investigation Process 2024. Collection method: clinical testing. Allele origin: germline.
Comment: The GJB1 c.339C>A; p.Asp113Glu variant to our knowledge, is not reported in the medical literature or gene specific databases. This variant is also absent from the Genome Aggregation Database (v2.1.1), indicating it is not a common polymorphism. Computational analyses are uncertain whether this variant is neutral or deleterious (REVEL: 0.258). Due to limited information, the clinical significance of this variant is uncertain at this time.